The following is an entry in ClinVar:

ClinVar aggregate classification (germline): Uncertain significance. Review status: criteria provided, multiple submitters, no conflicts (2 of 4 stars). 2 submissions from 2 submitters: Uncertain significance (2). Last evaluated 2025-08-12.

Conditions:
Deafness-lymphedema-leukemia syndrome. Also called: Lymphedema, primary, with myelodysplasia; Emberger syndrome. Identifiers: Orphanet 3226, MedGen C3279664, MONDO:0013540, OMIM 614038.
Monocytopenia with susceptibility to infections. Also called: MONOCYTOPENIA AND MYCOBACTERIAL INFECTION SYNDROME; MONOCYTOPENIA WITH SUSCEPTIBILITY TO MYCOBACTERIAL, FUNGAL, AND PAPILLOMAVIRUS INFECTIONS AND MYELODYSPLASIA; COMBINED IMMUNODEFICIENCY WITH SUSCEPTIBILITY TO MYCOBACTERIAL, VIRAL, AND FUNGAL INFECTIONS; IMMUNODEFICIENCY 21; Dendritic cell, monocyte, B lymphocyte, and natural killer lymphocyte deficiency; GATA2 DEFICIENCY. Identifiers: Orphanet 228423, MedGen C3280030, MONDO:0013607, OMIM 614172.
Inborn genetic diseases. Identifiers: MedGen C0950123, MeSH D030342.

Allele frequency attached by ClinVar (database versions not stated): gnomAD exomes below 0.00001; TOPMed 0.00001.
gnomAD v4.1: 1 of 1,614,036 alleles (0.000062%); highest among the groups gnomAD compares: Non-Finnish European, 0.000085%; no homozygotes.

Submissions (2):

Ambry Genetics
Classification: Uncertain significance for Inborn genetic diseases. Last evaluated: 2025-08-12. Review status: criteria provided, single submitter. Criteria: Ambry Variant Classification Scheme 2023. Collection method: clinical testing. Allele origin: germline.
Comment: The p.P254R variant (also known as c.761C>G), located in coding exon 2 of the GATA2 gene, results from a C to G substitution at nucleotide position 761. The proline at codon 254 is replaced by arginine, an amino acid with dissimilar properties. This amino acid position is well conserved in available vertebrate species. In addition, the in silico prediction for this alteration is inconclusive. Based on the available evidence, the clinical significance of this variant remains unclear.

Labcorp Genetics (formerly Invitae), Labcorp
Classification: Uncertain significance for Monocytopenia with susceptibility to infections; Deafness-lymphedema-leukemia syndrome. Last evaluated: 2023-05-27. Review status: criteria provided, single submitter. Criteria: Invitae Variant Classification Sherloc (09022015). Collection method: clinical testing. Allele origin: germline.
Comment: This sequence change replaces proline, which is neutral and non-polar, with arginine, which is basic and polar, at codon 254 of the GATA2 protein (p.Pro254Arg). This variant is not present in population databases (gnomAD no frequency). This variant has not been reported in the literature in individuals affected with GATA2-related conditions. ClinVar contains an entry for this variant (Variation ID: 573310). Advanced modeling of protein sequence and biophysical properties (such as structural, functional, and spatial information, amino acid conservation, physicochemical variation, residue mobility, and thermodynamic stability) has been performed at Invitae for this missense variant, however the output from this modeling did not meet the statistical confidence thresholds required to predict the impact of this variant on GATA2 protein function. In summary, the available evidence is currently insufficient to determine the role of this variant in disease. Therefore, it has been classified as a Variant of Uncertain Significance.

NM_032638.5(GATA2):c.761C>G (p.Pro254Arg)

Gene: GATA2 (GATA binding protein 2; minus strand). Cytogenetic location: 3q21.3.
Variant type: single nucleotide variant.
Coding change: c.761C>G on transcript NM_032638.5 (MANE Select); coding-DNA position 761, C replaced by G.
Protein change: p.Pro254Arg; replaces proline 254 with arginine.
Molecular consequence: missense variant.
Genome position (GRCh38, 1-based): chr3:128,485,837, G>C on the plus strand (C>G on the coding strand, the complement: GATA2 is on the minus strand). VCF-style: chr3-128485837-G-C. GRCh37 (hg19) VCF-style: chr3-128204680-G-C.
Other names: c.761C>G, p.Pro254Arg (NM_001145661.2, NM_001145662.1); short protein forms P254R.
Identifiers: ClinVar variation 573310 (VCV000573310.9), dbSNP rs387906630, ClinGen allele CA354406006.